The following is an entry in ClinVar:

ClinVar aggregate classification (germline): Uncertain significance (1 of 4 stars; one submission).

Allele frequency attached by ClinVar (database versions not stated): gnomAD 0.00001.

Submission:

Labcorp Genetics (formerly Invitae), Labcorp
Classification: Uncertain significance. Last evaluated: 2021-12-02. Review status: criteria provided, single submitter. Criteria: Invitae Variant Classification Sherloc (09022015). Collection method: clinical testing. Allele origin: germline.
Comment: This sequence change replaces alanine, which is neutral and non-polar, with glycine, which is neutral and non-polar, at codon 402 of the SBF1 protein (p.Ala402Gly). This variant is present in population databases (no rsID available, gnomAD 0.0009%). This variant has not been reported in the literature in individuals affected with SBF1-related conditions. Algorithms developed to predict the effect of missense changes on protein structure and function (SIFT, PolyPhen-2, Align-GVGD) all suggest that this variant is likely to be tolerated. In summary, the available evidence is currently insufficient to determine the role of this variant in disease. Therefore, it has been classified as a Variant of Uncertain Significance.

NM_002972.4(SBF1):c.1205C>G (p.Ala402Gly)

Gene: SBF1 (SET binding factor 1; minus strand). Cytogenetic location: 22q13.33.
Variant type: single nucleotide variant.
Coding change: c.1205C>G on transcript NM_002972.4 (MANE Select); coding-DNA position 1205, C replaced by G.
Protein change: p.Ala402Gly; replaces alanine 402 with glycine.
Molecular consequence: missense variant.
Genome position (GRCh38, 1-based): chr22:50,465,128, G>C on the plus strand (C>G on the coding strand, the complement: SBF1 is on the minus strand). VCF-style: chr22-50465128-G-C. GRCh37 (hg19) VCF-style: chr22-50903557-G-C.
Other names: c.1208C>G, p.Ala403Gly (NM_001365819.1, NM_001410794.1); c.1205C>G, p.Ala402Gly (NM_001410795.1, NM_197971.1); short protein forms A402G, A403G.
Identifiers: ClinVar variation 1910720 (VCV001910720.2), dbSNP rs376486865, ClinGen allele CA412218529.